The following is an entry in ClinVar:

ClinVar aggregate classification (germline): Pathogenic/Likely pathogenic. Review status: criteria provided, multiple submitters, no conflicts (2 of 4 stars). 6 submissions from 6 submitters: Pathogenic (5); Likely pathogenic (1). Last evaluated 2025-11-10.

Conditions:
Hereditary breast ovarian cancer syndrome. Also called: Hereditary breast and ovarian cancer; Hereditary breast and/or ovarian cancer syndrome; BRCA1- and BRCA2-Associated Hereditary Breast and Ovarian Cancer; Hereditary breast and ovarian cancer syndrome; Hereditary breast and ovarian cancer syndrome (HBOC); Breast and ovarian cancer. Identifiers: Orphanet 145, MedGen C0677776, MeSH D061325, MONDO:0003582. Disease mechanism: loss of function.
Hereditary cancer-predisposing syndrome. Also called: Tumor predisposition; Hereditary Cancer Syndrome; Hereditary neoplastic syndrome; Neoplastic Syndromes, Hereditary. Identifiers: Orphanet 140162, MedGen C0027672, MeSH D009386, MONDO:0015356.
Familial cancer of breast. Also called: BREAST CANCER, FAMILIAL; Hereditary breast cancer; hereditary breast carcinoma. Identifiers: Orphanet 227535, MedGen C0346153, MONDO:0016419, OMIM 114480. Disease mechanism: loss of function.

Allele frequency attached by ClinVar (database versions not stated): gnomAD exomes below 0.00001.

Submissions (6):

Labcorp Genetics (formerly Invitae), Labcorp
Classification: Pathogenic for Familial cancer of breast. Last evaluated: 2025-11-10. Review status: criteria provided, single submitter. Criteria: Invitae Variant Classification Sherloc (09022015). Collection method: clinical testing. Allele origin: germline.
Comment: This sequence change creates a premature translational stop signal (p.Gln11Profs*66) in the CHEK2 gene. It is expected to result in an absent or disrupted protein product. Loss-of-function variants in CHEK2 are known to be pathogenic (PMID: 21876083, 24713400). The frequency data for this variant in the population databases is considered unreliable, as metrics indicate poor data quality at this position in the gnomAD database. This variant has not been reported in the literature in individuals affected with CHEK2-related conditions. ClinVar contains an entry for this variant (Variation ID: 410036). For these reasons, this variant has been classified as Pathogenic.

Ambry Genetics
Classification: Pathogenic for Hereditary cancer-predisposing syndrome. Last evaluated: 2024-08-02. Review status: criteria provided, single submitter. Criteria: Ambry Variant Classification Scheme 2023. Collection method: clinical testing. Allele origin: germline.
Comment: The c.31dupC pathogenic mutation, located in coding exon 1 of the CHEK2 gene, results from a duplication of C at nucleotide position 31, causing a translational frameshift with a predicted alternate stop codon (p.Q11Pfs*66). This variant is considered to be rare based on population cohorts in the Genome Aggregation Database (gnomAD). This alteration is expected to result in loss of function by premature protein truncation or nonsense-mediated mRNA decay. As such, this alteration is interpreted as a disease-causing mutation.

Myriad Genetics, Inc.
Classification: Pathogenic for Familial cancer of breast. Last evaluated: 2023-06-22. Review status: criteria provided, single submitter. Criteria: Myriad Autosomal Dominant, Autosomal Recessive and X-Linked Classification Criteria (2023). Collection method: clinical testing. Allele origin: unknown.
Comment: This variant is considered pathogenic. This variant creates a frameshift predicted to result in premature protein truncation.

Women's Health and Genetics/Laboratory Corporation of America, LabCorp
Classification: Likely pathogenic for Hereditary breast ovarian cancer syndrome. Last evaluated: 2022-03-21. Review status: criteria provided, single submitter. Criteria: LabCorp Variant Classification Summary - May 2015. Collection method: clinical testing. Allele origin: germline.
Comment: Variant summary: CHEK2 c.31dupC (p.Gln11ProfsX66) results in a premature termination codon, predicted to cause a truncation of the encoded protein or absence of the protein due to nonsense mediated decay, which are commonly known mechanisms for disease. Truncations downstream of this position have been classified as pathogenic by our laboratory. The variant allele was found at a frequency of 4.1e-06 in 246382 control chromosomes (gnomAD). c.31dupC has been reported in the literature in at least one individual affected with Hereditary Breast And Ovarian Cancer Syndrome (Cybulski_2019). These data do not allow any conclusion about variant significance. To our knowledge, no experimental evidence demonstrating an impact on protein function has been reported. Three ClinVar submitters have assessed the variant since 2014: all have classified the variant as pathogenic. Based on the evidence outlined above, the variant was classified as likely pathogenic.

Color Diagnostics, LLC DBA Color Health
Classification: Pathogenic for Hereditary cancer-predisposing syndrome. Last evaluated: 2020-01-15. Review status: criteria provided, single submitter. Criteria: ACMG Guidelines, 2015. Collection method: clinical testing. Allele origin: germline.
Comment: This variant inserts 1 nucleotide in exon 2 of the CHEK2 gene, creating a frameshift and premature translation stop signal. This variant is expected to result in an absent or non-functional protein product. This variant has been identified in 1/246382 chromosomes in the general population by the Genome Aggregation Database (gnomAD). Loss of CHEK2 function is a known mechanism of disease. Based on the available evidence, this variant is classified as Pathogenic.

Quest Diagnostics Nichols Institute San Juan Capistrano
Classification: Pathogenic. Last evaluated: 2017-11-15. Review status: criteria provided, single submitter. Criteria: Quest Diagnostics criteria. Collection method: clinical testing. Allele origin: germline.

Literature cited by the submitters: PubMed 21876083 (cited by Labcorp Genetics (formerly Invitae), Labcorp); PubMed 24713400 (cited by Labcorp Genetics (formerly Invitae), Labcorp); PubMed 31173646 (cited by Ambry Genetics and Women's Health and Genetics/Laboratory Corporation of America, LabCorp).

NM_007194.4(CHEK2):c.31dup (p.Gln11fs)

Gene: CHEK2 (checkpoint kinase 2; minus strand). Cytogenetic location: 22q12.1.
Variant type: Duplication.
Coding change: c.31dup on transcript NM_007194.4 (MANE Select); coding-DNA position 31, one base duplicated (C; older notation c.31dupC).
Protein change: p.Gln11fs; shifts the reading frame from glutamine 11.
Molecular consequence: frameshift variant.
Genome position (GRCh38, 1-based): chr22:28,734,691, G duplicated on the plus strand (C on the coding strand, the reverse complement: CHEK2 is on the minus strand). VCF-style (leftmost placement, unchanged base first): chr22-28734690-T-TG. GRCh37 (hg19) VCF-style: chr22-29130678-T-TG.
Other names: c.31dup, p.Gln11Profs (NM_145862.3, NM_001005735.3, NM_001349956.3); c.-747dup (NM_001257387.3); short protein forms Q11fs.
Identifiers: ClinVar variation 410036 (VCV000410036.18), dbSNP rs1555932913, ClinGen allele CA16616600.